The following is an entry in ClinVar:

NM_001365276.2(TNXB):c.5249A>T (p.His1750Leu)

Gene: TNXB (tenascin XB; minus strand). Cytogenetic location: 6p21.33.
Variant type: single nucleotide variant.
Coding change: c.5249A>T on transcript NM_001365276.2 (MANE Select); coding-DNA position 5249, A replaced by T.
Protein change: p.His1750Leu; replaces histidine 1750 with leucine.
Molecular consequence: missense variant.
Genome position (GRCh38, 1-based): chr6:32,070,156, T>A on the plus strand (A>T on the coding strand, the complement: TNXB is on the minus strand). VCF-style: chr6-32070156-T-A. GRCh37 (hg19) VCF-style: chr6-32037933-T-A.
Other names: c.5990A>T, p.His1997Leu (NM_001428335.1); c.5249A>T, p.His1750Leu (NM_019105.8); short protein forms H1997L, H1750L.
Identifiers: ClinVar variation 3781298 (VCV003781298.2).

ClinVar aggregate classification (germline): Uncertain significance. Review status: criteria provided, multiple submitters, no conflicts (2 of 4 stars). 2 submissions from 2 submitters: Uncertain significance (2). Last evaluated 2025-08-31.

Conditions:
Cardiovascular phenotype. Identifiers: MedGen CN230736.

gnomAD v4.1: 33 of 1,595,986 alleles (0.0021%); highest among the groups gnomAD compares: Non-Finnish European, 0.0028%; no homozygotes.

Submissions (2):

Ambry Genetics
Classification: Uncertain significance for Cardiovascular phenotype. Last evaluated: 2025-08-31. Review status: criteria provided, single submitter. Criteria: Ambry Variant Classification Scheme 2023. Collection method: clinical testing. Allele origin: germline.
Comment: The p.H1750L variant (also known as c.5249A>T), located in coding exon 13 of the TNXB gene, results from an A to T substitution at nucleotide position 5249. The histidine at codon 1750 is replaced by leucine, an amino acid with similar properties. This amino acid position is conserved. In addition, this alteration is predicted to be tolerated by in silico analysis. Based on the available evidence, the clinical significance of this variant remains unclear.

GeneDx
Classification: Uncertain significance. Last evaluated: 2024-10-21. Review status: criteria provided, single submitter. Criteria: GeneDx Variant Classification Process June 2021. Collection method: clinical testing. Allele origin: germline. Affected: yes.
Comment: Not observed at significant frequency in large population cohorts (gnomAD); In silico analysis supports that this missense variant has a deleterious effect on protein structure/function; Has not been previously published as pathogenic or benign to our knowledge